The following is an entry in ClinVar:

NM_002691.4(POLD1):c.3044G>A (p.Cys1015Tyr)

Gene: POLD1 (DNA polymerase delta 1, catalytic subunit; plus strand). Cytogenetic location: 19q13.33.
Variant type: single nucleotide variant.
Coding change: c.3044G>A on transcript NM_002691.4 (MANE Select); coding-DNA position 3044, G replaced by A.
Protein change: p.Cys1015Tyr; replaces cysteine 1015 with tyrosine.
Molecular consequence: missense variant. On other transcripts: non-coding transcript variant (1).
Genome position (GRCh38, 1-based): chr19:50,416,700, G>A. VCF-style: chr19-50416700-G-A. GRCh37 (hg19) VCF-style: chr19-50919957-G-A.
Other names: c.3044G>A, p.Cys1015Tyr (NM_001256849.1); c.3122G>A, p.Cys1041Tyr (NM_001308632.1); short protein forms C1041Y, C1015Y.
Identifiers: ClinVar variation 1799186 (VCV001799186.3), dbSNP rs1243147142, ClinGen allele CA406986984.
Genomic context (GRCh38, chr19:50,416,700, plus strand): 5'-TCACGGGCAAGGTGGGCGGCCTCCTGGCCTTCGCCAAACGCCGCAACTGCTGCATTGGCT[G>A]CCGCACAGTGCTCAGCCACCAGGGTGAGCGGCCCTGGCCACTGGGCCCCCACTGGCCCTC-3'
Protein context (NP_002682.2, residues 1005-1025): FAKRRNCCIG[Cys1015Tyr]RTVLSHQGAV

ClinVar aggregate classification (germline): Uncertain significance (1 of 4 stars; one submission).

Conditions:
Hereditary cancer-predisposing syndrome. Also called: Neoplastic Syndromes, Hereditary; Tumor predisposition; Hereditary Cancer Syndrome; Hereditary neoplastic syndrome. Identifiers: Orphanet 140162, MedGen C0027672, MeSH D009386, MONDO:0015356.

Allele frequency attached by ClinVar (database versions not stated): gnomAD exomes 0.00001.
gnomAD v4.1: 3 of 1,542,328 alleles (0.00019%); highest among the groups gnomAD compares: Non-Finnish European, 0.000087%; no homozygotes.

Submission:

Ambry Genetics
Classification: Uncertain significance for Hereditary cancer-predisposing syndrome. Last evaluated: 2024-12-19. Review status: criteria provided, single submitter. Criteria: Ambry Variant Classification Scheme 2023. Collection method: clinical testing. Allele origin: germline.
Comment: The p.C1015Y variant (also known as c.3044G>A), located in coding exon 23 of the POLD1 gene, results from a G to A substitution at nucleotide position 3044. The cysteine at codon 1015 is replaced by tyrosine, an amino acid with highly dissimilar properties. This amino acid position is conserved. In addition, this alteration is predicted to be deleterious by in silico analysis. Based on the available evidence, the clinical significance of this variant remains unclear.